The following is an entry in ClinVar:

NM_001378778.1(MPDZ):c.3932A>G (p.Asp1311Gly)

Gene: MPDZ (multiple PDZ domain crumbs cell polarity complex component; minus strand). Cytogenetic location: 9p23.
Variant type: single nucleotide variant.
Coding change: c.3932A>G on transcript NM_001378778.1 (MANE Select); coding-DNA position 3932, A replaced by G.
Protein change: p.Asp1311Gly; replaces aspartic acid 1311 with glycine.
Molecular consequence: missense variant.
Genome position (GRCh38, 1-based): chr9:13,140,058, T>C on the plus strand (A>G on the coding strand, the complement: MPDZ is on the minus strand). VCF-style: chr9-13140058-T-C. GRCh37 (hg19) VCF-style: chr9-13140057-T-C.
Other names: c.3833A>G, p.Asp1278Gly (NM_001261406.2, NM_001261407.2, NM_001375416.1 and 3 more transcripts); c.3932A>G, p.Asp1311Gly (NM_001330637.2, NM_001375413.1, NM_003829.5); c.3722A>G, p.Asp1241Gly (NM_001375420.1, NM_001375421.1, NM_001375422.1 and 4 more transcripts); c.3524A>G, p.Asp1175Gly (NM_001375427.1); short protein forms D1241G, D1278G, D1311G, D1175G.
Identifiers: ClinVar variation 1042580 (VCV001042580.6), dbSNP rs1276844849, ClinGen allele CA372949610.

ClinVar aggregate classification (germline): Uncertain significance (1 of 4 stars; one submission).

Allele frequency attached by ClinVar (database versions not stated): gnomAD 0.00001; TOPMed 0.00001.

Submission:

Labcorp Genetics (formerly Invitae), Labcorp
Classification: Uncertain significance. Last evaluated: 2022-03-19. Review status: criteria provided, single submitter. Criteria: Invitae Variant Classification Sherloc (09022015). Collection method: clinical testing. Allele origin: germline.
Comment: This sequence change replaces aspartic acid, which is acidic and polar, with glycine, which is neutral and non-polar, at codon 1311 of the MPDZ protein (p.Asp1311Gly). This variant is not present in population databases (gnomAD no frequency). This variant has not been reported in the literature in individuals affected with MPDZ-related conditions. ClinVar contains an entry for this variant (Variation ID: 1042580). Algorithms developed to predict the effect of missense changes on protein structure and function output the following: SIFT: "Deleterious"; PolyPhen-2: "Benign"; Align-GVGD: "Class C65". The glycine amino acid residue is found in multiple mammalian species, which suggests that this missense change does not adversely affect protein function. In summary, the available evidence is currently insufficient to determine the role of this variant in disease. Therefore, it has been classified as a Variant of Uncertain Significance.